The following is an entry in ClinVar:

ClinVar aggregate classification (germline): Uncertain significance (1 of 4 stars; one submission).

Conditions:
Ataxia-telangiectasia syndrome (AT). Also called: LOUIS-BAR SYNDROME; Ataxia telangiectasia (A-T); Ataxia-telangiectasia, complementation group D; Cerebello-oculocutaneous telangiectasia; Immunodeficiency with ataxia telangiectasia; Ataxia-telangiectasia. Identifiers: Orphanet 100, MedGen C0004135, MONDO:0008840, OMIM 208900.

Submission:

Labcorp Genetics (formerly Invitae), Labcorp
Classification: Uncertain significance for Ataxia-telangiectasia syndrome. Last evaluated: 2019-11-25. Review status: criteria provided, single submitter. Criteria: Invitae Variant Classification Sherloc (09022015). Collection method: clinical testing. Allele origin: germline.
Comment: This sequence change replaces serine with threonine at codon 1455 of the ATM protein (p.Ser1455Thr). The serine residue is weakly conserved and there is a small physicochemical difference between serine and threonine. This variant is not present in population databases (ExAC no frequency). This variant has not been reported in the literature in individuals with ATM-related conditions. Algorithms developed to predict the effect of missense changes on protein structure and function output the following: SIFT: "Tolerated"; PolyPhen-2: "Benign"; Align-GVGD: "Class C0". The threonine amino acid residue is found in multiple mammalian species, suggesting that this missense change does not adversely affect protein function. These predictions have not been confirmed by published functional studies and their clinical significance is uncertain. In summary, the available evidence is currently insufficient to determine the role of this variant in disease. Therefore, it has been classified as a Variant of Uncertain Significance.

NM_000051.4(ATM):c.4364G>C (p.Ser1455Thr)

Gene: ATM (ATM serine/threonine kinase; plus strand). Cytogenetic location: 11q22.3.
Variant type: single nucleotide variant.
Coding change: c.4364G>C on transcript NM_000051.4 (MANE Select); coding-DNA position 4364, G replaced by C.
Protein change: p.Ser1455Thr; replaces serine 1455 with threonine.
Molecular consequence: missense variant.
Genome position (GRCh38, 1-based): chr11:108,289,729, G>C. VCF-style: chr11-108289729-G-C. GRCh37 (hg19) VCF-style: chr11-108160456-G-C.
Other names: c.4364G>C, p.Ser1455Thr (NM_001351834.2); short protein forms S1455T.
Identifiers: ClinVar variation 862304 (VCV000862304.9), dbSNP rs2082679943, ClinGen allele CA382532062.